The following is an entry in ClinVar:

NM_006662.3(SRCAP):c.437G>A (p.Trp146Ter)

Gene: SRCAP (Snf2 related CREBBP activator protein; plus strand). Cytogenetic location: 16p11.2.
Variant type: single nucleotide variant.
Coding change: c.437G>A on transcript NM_006662.3 (MANE Select); coding-DNA position 437, G replaced by A.
Protein change: p.Trp146Ter; replaces tryptophan 146 with a stop codon.
Molecular consequence: nonsense.
Genome position (GRCh38, 1-based): chr16:30,707,313, G>A. VCF-style: chr16-30707313-G-A. GRCh37 (hg19) VCF-style: chr16-30718634-G-A.
Other names: short protein forms W146*.
Identifiers: ClinVar variation 4856003 (VCV004856003.1).

ClinVar aggregate classification (germline): Likely pathogenic (1 of 4 stars; one submission).

Conditions:
Developmental delay, hypotonia, musculoskeletal defects, and behavioral abnormalities. Identifiers: MedGen C5562012, MONDO:0859202, OMIM 619595.

Submission:

3billion
Classification: Likely pathogenic for Developmental delay, hypotonia, musculoskeletal defects, and behavioral abnormalities. Last evaluated: 2026-01-24. Review status: criteria provided, single submitter. Criteria: ACMG Guidelines, 2015. Collection method: clinical testing. Allele origin: germline. Affected: yes.
Comment: The variant is not observed in the gnomAD v4.1.0 dataset. Predicted Consequence/Location: Stop-gained (nonsense): predicted to result in a loss or disruption of normal protein function through nonsense-mediated decay (NMD) or protein truncation. Multiple pathogenic variants are reported downstream of the variant. Therefore, this variant is classified as Likely pathogenic according to the recommendation of ACMG/AMP guideline.